The following is an entry in ClinVar:

ClinVar aggregate classification (germline): Uncertain significance (1 of 4 stars; one submission).

Conditions:
Hereditary cancer-predisposing syndrome. Also called: Tumor predisposition; Hereditary Cancer Syndrome; Hereditary neoplastic syndrome; Neoplastic Syndromes, Hereditary. Identifiers: Orphanet 140162, MedGen C0027672, MeSH D009386, MONDO:0015356.

Submission:

Ambry Genetics
Classification: Uncertain significance for Hereditary cancer-predisposing syndrome. Last evaluated: 2024-03-23. Review status: criteria provided, single submitter. Criteria: Ambry Variant Classification Scheme 2023. Collection method: clinical testing. Allele origin: germline.
Comment: The p.K496N variant (also known as c.1488A>C), located in coding exon 12 of the MRE11A gene, results from an A to C substitution at nucleotide position 1488. The lysine at codon 496 is replaced by asparagine, an amino acid with similar properties. This amino acid position is conserved. In addition, this alteration is predicted to be tolerated by in silico analysis. Based on the available evidence, the clinical significance of this alteration remains unclear.

NM_005591.4(MRE11):c.1488A>C (p.Lys496Asn)

Gene: MRE11 (MRE11 double strand break repair nuclease; minus strand). Cytogenetic location: 11q21.
Variant type: single nucleotide variant.
Coding change: c.1488A>C on transcript NM_005591.4 (MANE Select); coding-DNA position 1488, A replaced by C.
Protein change: p.Lys496Asn; replaces lysine 496 with asparagine.
Molecular consequence: missense variant.
Genome position (GRCh38, 1-based): chr11:94,459,420, T>G on the plus strand (A>C on the coding strand, the complement: MRE11 is on the minus strand). VCF-style: chr11-94459420-T-G. GRCh37 (hg19) VCF-style: chr11-94192586-T-G.
Other names: c.1488A>C, p.Lys496Asn (NM_001330347.2, NM_005590.4); short protein forms K496N.
Identifiers: ClinVar variation 3295802 (VCV003295802.1).
Genomic context (GRCh38, chr11:94,459,420, plus strand): 5'-AAAGACAGACTATTTAAATAGACCTAGACACTCAAATTAGTTACTTACCTCCTCATCGAT[T>G]TTGTCTTCGAGGGCATCAATATGACGTTCTTTAAGAAATCGCTGTGTTTTTTCCAACTGG-3'
Protein context (NP_005582.1, residues 486-506): KERHIDALED[Lys496Asn]IDEEVRRFRE